The following is an entry in ClinVar:

ClinVar aggregate classification (germline): Pathogenic/Likely pathogenic. Review status: criteria provided, multiple submitters, no conflicts (2 of 4 stars). 4 submissions from 4 submitters: Pathogenic (2); Likely pathogenic (1). 1 of the submissions does not count toward it. Last evaluated 2025-09-25.

Conditions:
KCTD7-related disorder. Also called: KCTD7-related condition.
Progressive myoclonic epilepsy type 3. Also called: EPILEPSY, PROGRESSIVE MYOCLONIC, 3, WITHOUT INTRACELLULAR INCLUSIONS; KCTD7-Related Progressive Myoclonic Epilepsy; EPILEPSY, PROGRESSIVE MYOCLONIC, 3, WITH OR WITHOUT INTRACELLULAR INCLUSIONS; CEROID LIPOFUSCINOSIS, NEURONAL, 14. Identifiers: Orphanet 263516, MedGen C2673257, MONDO:0012721, OMIM 611726.

Allele frequency attached by ClinVar (database versions not stated): TOPMed below 0.00001; ExAC 0.00001; gnomAD 0.00001; gnomAD exomes 0.00001; ESP Exome Variant Server 0.00008.
gnomAD v4.1: 8 of 1,613,660 alleles (0.0005%); highest among the groups gnomAD compares: Admixed American, 0.0017%; no homozygotes.

Submissions (4):

Labcorp Genetics (formerly Invitae), Labcorp
Classification: Pathogenic for Progressive myoclonic epilepsy type 3. Last evaluated: 2025-09-25. Review status: criteria provided, single submitter. Criteria: Invitae Variant Classification Sherloc (09022015). Collection method: clinical testing. Allele origin: germline.
Comment: This sequence change replaces tyrosine, which is neutral and polar, with cysteine, which is neutral and slightly polar, at codon 276 of the KCTD7 protein (p.Tyr276Cys). This variant is present in population databases (rs141191660, gnomAD 0.003%). This missense change has been observed in individual(s) with progressive myoclonic epilepsy (PMID: 25060828). It has also been observed to segregate with disease in related individuals. ClinVar contains an entry for this variant (Variation ID: 1427810). An algorithm developed to predict the effect of missense changes on protein structure and function (PolyPhen-2) suggests that this variant is likely to be tolerated. Experimental studies have shown that this missense change affects KCTD7 function (PMID: 27742667). For these reasons, this variant has been classified as Pathogenic.

GeneDx
Classification: Likely pathogenic. Last evaluated: 2023-04-10. Review status: criteria provided, single submitter. Criteria: GeneDx Variant Classification Process June 2021. Collection method: clinical testing. Allele origin: germline. Affected: yes.
Comment: Published functional studies demonstrate a damaging effect, including reduced CLN5 binding, absence of degradation or ubiquitination of CLN5 in HeLA cells, and severely impaired channel function in CHO cells (Moen et al., 2016; Wang et al., 2022); Not observed at significant frequency in large population cohorts (gnomAD); In silico analysis supports that this missense variant does not alter protein structure/function; This variant is associated with the following publications: (PMID: 24108619, 28162000, 30500434, 34469883, 30295347, 28761347, 25060828, 27742667, 35921411)

Blueprint Genetics
Classification: Pathogenic for KCTD7-related disorders. Last evaluated: 2022-01-27. Review status: criteria provided, single submitter. Criteria: ACMG Guidelines, 2015. Collection method: clinical testing. Allele origin: germline. Affected: yes. Observed: 5 variant alleles.

PreventionGenetics, part of Exact Sciences
Classification: Pathogenic for KCTD7-related condition. Last evaluated: 2024-07-24. Review status: no assertion criteria provided. Collection method: clinical testing. Allele origin: germline. Not counted in ClinVar's aggregate classification.
Comment: The KCTD7 c.827A>G variant is predicted to result in the amino acid substitution p.Tyr276Cys. This variant has been reported in multiple patients with autosomal recessive KCTD7-related progressive myoclonic epilepsy, and segregation studies support its pathogenicity (Sawyer et al. 2014. PubMed ID: 24108619; Farhan et al. 2014. PubMed ID: 25060828; Metz et al. 2018. PubMed ID: 30295347; Wang et al. 2022. PubMed ID: 35921411). This variant is reported in 0.0029% of alleles in individuals of Latino descent in gnomAD. This variant is interpreted as pathogenic.

Literature cited by the submitters: PubMed 25060828 (cited by Labcorp Genetics (formerly Invitae), Labcorp); PubMed 27742667 (cited by Labcorp Genetics (formerly Invitae), Labcorp).

NM_153033.5(KCTD7):c.827A>G (p.Tyr276Cys)

Gene: KCTD7 (potassium channel tetramerization domain containing 7; plus strand). Cytogenetic location: 7q11.21.
Variant type: single nucleotide variant.
Coding change: c.827A>G on transcript NM_153033.5 (MANE Select); coding-DNA position 827, A replaced by G.
Protein change: p.Tyr276Cys; replaces tyrosine 276 with cysteine.
Molecular consequence: missense variant.
Genome position (GRCh38, 1-based): chr7:66,639,189, A>G. VCF-style: chr7-66639189-A-G. GRCh37 (hg19) VCF-style: chr7-66104176-A-G.
Other names: c.827A>G, p.Tyr276Cys (NM_001167961.2); c.827A>G (NM_153033.4); short protein forms Y276C.
Identifiers: ClinVar variation 1427810 (VCV001427810.11), dbSNP rs141191660, ClinGen allele CA4278333.
Genomic context (GRCh38, chr7:66,639,189, plus strand): 5'-GTCTCACCGTGGACCACCAGTGCATCGGGGTGTGTGACAAGCACCTCGTGAACCACTACT[A>G]CTGCAAGCGCCCCATCTATGAGTTCAAGATCACATGGTGGTGAGTAGCCCCGGTAGGCGA-3'
Protein context (NP_694578.1, residues 266-286): VCDKHLVNHY[Tyr276Cys]CKRPIYEFKI